The following is an entry in ClinVar:

ClinVar aggregate classification (germline): Uncertain significance. Review status: criteria provided, multiple submitters, no conflicts (2 of 4 stars). 3 submissions from 3 submitters: Uncertain significance (2). 1 of the submissions does not count toward it. Last evaluated 2025-12-30.

Conditions:
Inborn genetic diseases. Identifiers: MedGen C0950123, MeSH D030342.
Mucopolysaccharidosis type 1. Also called: Mucopolysaccharidosis Type I; IDUA deficiency; MPS I. Identifiers: Orphanet 579, MedGen C0023786, MONDO:0001586.

Allele frequency attached by ClinVar (database versions not stated): gnomAD 0.00001; gnomAD exomes 0.00001 and 0.00004; TOPMed 0.00002.
gnomAD v4.1: 11 of 1,553,500 alleles (0.00071%); highest among the groups gnomAD compares: Admixed American, 0.019%; no homozygotes.

Submissions (3):

Ambry Genetics
Classification: Uncertain significance for Inborn genetic diseases. Last evaluated: 2025-12-30. Review status: criteria provided, single submitter. Criteria: Ambry Variant Classification Scheme 2023. Collection method: clinical testing. Allele origin: germline.
Comment: The p.E545K variant (also known as c.1633G>A), located in coding exon 11 of the IDUA gene, results from a G to A substitution at nucleotide position 1633. The glutamic acid at codon 545 is replaced by lysine, an amino acid with similar properties. This amino acid position is conserved. In addition, this alteration is predicted to be tolerated by in silico analysis. Based on the available evidence, the clinical significance of this variant remains unclear.

Labcorp Genetics (formerly Invitae), Labcorp
Classification: Uncertain significance for Mucopolysaccharidosis type 1. Last evaluated: 2025-11-24. Review status: criteria provided, single submitter. Criteria: Invitae Variant Classification Sherloc (09022015). Collection method: clinical testing. Allele origin: germline.
Comment: This sequence change replaces glutamic acid, which is acidic and polar, with lysine, which is basic and polar, at codon 545 of the IDUA protein (p.Glu545Lys). This variant is present in population databases (no rsID available, gnomAD 0.02%). This variant has not been reported in the literature in individuals affected with IDUA-related conditions. ClinVar contains an entry for this variant (Variation ID: 1040368). Invitae Evidence Modeling of protein sequence and biophysical properties (such as structural, functional, and spatial information, amino acid conservation, physicochemical variation, residue mobility, and thermodynamic stability) indicates that this missense variant is not expected to disrupt IDUA protein function with a negative predictive value of 95%. In summary, the available evidence is currently insufficient to determine the role of this variant in disease. Therefore, it has been classified as a Variant of Uncertain Significance.

Natera, Inc.
Classification: Uncertain significance for Mucopolysaccharidosis type I. Last evaluated: 2020-08-10. Review status: no assertion criteria provided. Collection method: clinical testing. Allele origin: germline. Not counted in ClinVar's aggregate classification.

NM_000203.5(IDUA):c.1633G>A (p.Glu545Lys)

Gene: IDUA (alpha-L-iduronidase; plus strand). Cytogenetic location: 4p16.3.
Variant type: single nucleotide variant.
Coding change: c.1633G>A on transcript NM_000203.5 (MANE Select); coding-DNA position 1633, G replaced by A.
Protein change: p.Glu545Lys; replaces glutamic acid 545 with lysine.
Molecular consequence: missense variant. On other transcripts: non-coding transcript variant (1).
Genome position (GRCh38, 1-based): chr4:1,003,453, G>A. VCF-style: chr4-1003453-G-A. GRCh37 (hg19) VCF-style: chr4-997241-G-A.
Other names: c.1237G>A, p.Glu413Lys (NM_001363576.1); c.1633G>A (NM_000203.3); short protein forms E545K, E413K.
Identifiers: ClinVar variation 1040368 (VCV001040368.9), dbSNP rs1257968688, ClinGen allele CA355965100.
Genomic context (GRCh38, chr4:1,003,453, plus strand): 5'-ACCCTGCGCCCCGCGCTGCGGCTGCCGTCGCTTTTGCTGGTGCACGTGTGTGCGCGCCCC[G>A]AGAAGCCGCCCGGGCAGGCAAGTGGCAGTCCCCTAACCCGCGCCGCGGCCCGGACTCCCC-3'
Protein context (NP_000194.2, residues 535-555): LLLVHVCARP[Glu545Lys]KPPGQVTRLR